The following is an entry in ClinVar:

NM_012414.4(RAB3GAP2):c.2043G>C (p.Lys681Asn)

Gene: RAB3GAP2 (RAB3 GTPase activating non-catalytic protein subunit 2; minus strand). Cytogenetic location: 1q41.
Variant type: single nucleotide variant.
Coding change: c.2043G>C on transcript NM_012414.4 (MANE Select); coding-DNA position 2043, G replaced by C.
Protein change: p.Lys681Asn; replaces lysine 681 with asparagine.
Molecular consequence: missense variant.
Genome position (GRCh38, 1-based): chr1:220,182,887, C>G on the plus strand (G>C on the coding strand, the complement: RAB3GAP2 is on the minus strand). VCF-style: chr1-220182887-C-G. GRCh37 (hg19) VCF-style: chr1-220356229-C-G.
Other names: p.Lys681Asn; short protein forms K681N.
Identifiers: ClinVar variation 4542261 (VCV004542261.1).

ClinVar aggregate classification (germline): Uncertain significance (1 of 4 stars; one submission).

Submission:

Mayo Clinic Laboratories, Mayo Clinic
Classification: Uncertain significance. Last evaluated: 2025-10-31. Review status: criteria provided, single submitter. Criteria: ACMG Guidelines, 2015. Collection method: clinical testing. Allele origin: germline. Observed: 1 variant allele.
Comment: BP4_moderate, PM2_supporting